The following is an entry in ClinVar:

ClinVar aggregate classification (germline): Uncertain significance (1 of 4 stars; one submission).

Conditions:
Episodic ataxia type 2 (EA2). Also called: ACETAZOLAMIDE-RESPONSIVE HEREDITARY PAROXYSMAL CEREBELLAR ATAXIA; EPISODIC ATAXIA, NYSTAGMUS-ASSOCIATED; ATAXIA, EPISODIC, WITH NYSTAGMUS; ATAXIA, FAMILIAL PAROXYSMAL; CEREBELLAR ATAXIA, PAROXYSMAL, ACETAZOLAMIDE-RESPONSIVE; CEREBELLOPATHY, HEREDITARY PAROXYSMAL. Identifiers: Orphanet 97, MedGen C1720416, MONDO:0007163, OMIM 108500.
Developmental and epileptic encephalopathy, 42 (DEE42A). Also called: DEVELOPMENTAL AND EPILEPTIC ENCEPHALOPATHY 42A; EPILEPTIC ENCEPHALOPATHY, EARLY INFANTILE, 42A; Epileptic encephalopathy, early infantile, 42. Identifiers: MedGen C4310716, MONDO:0014917, OMIM 617106.

Submission:

Labcorp Genetics (formerly Invitae), Labcorp
Classification: Uncertain significance for Developmental and epileptic encephalopathy, 42; Episodic ataxia type 2. Last evaluated: 2022-09-01. Review status: criteria provided, single submitter. Criteria: Invitae Variant Classification Sherloc (09022015). Collection method: clinical testing. Allele origin: germline.
Comment: This sequence change replaces arginine, which is basic and polar, with proline, which is neutral and non-polar, at codon 2260 of the CACNA1A protein (p.Arg2260Pro). This variant is not present in population databases (gnomAD no frequency). This variant has not been reported in the literature in individuals affected with CACNA1A-related conditions. ClinVar contains an entry for this variant (Variation ID: 1436462). Advanced modeling of protein sequence and biophysical properties (such as structural, functional, and spatial information, amino acid conservation, physicochemical variation, residue mobility, and thermodynamic stability) performed at Invitae indicates that this missense variant is not expected to disrupt CACNA1A protein function. In summary, the available evidence is currently insufficient to determine the role of this variant in disease. Therefore, it has been classified as a Variant of Uncertain Significance.

NM_001127222.2(CACNA1A):c.6776G>C (p.Arg2259Pro)

Genes: CACNA1A (calcium voltage-gated channel subunit alpha1 A; minus strand), LOC130063717 (ATAC-STARR-seq lymphoblastoid silent region 10203; plus strand). Cytogenetic location: 19p13.13.
Variant type: single nucleotide variant.
Coding change: c.6776G>C on transcript NM_001127222.2 (MANE Select); coding-DNA position 6776, G replaced by C.
Protein change: p.Arg2259Pro; replaces arginine 2259 with proline.
Molecular consequence: missense variant.
Genome position (GRCh38, 1-based): chr19:13,208,760, C>G on the plus strand (G>C on the coding strand, the complement: CACNA1A is on the minus strand). VCF-style: chr19-13208760-C-G. GRCh37 (hg19) VCF-style: chr19-13319574-C-G.
Other names: c.6794G>C, p.Arg2265Pro (NM_000068.4, NM_023035.3); c.6779G>C, p.Arg2260Pro (NM_001127221.2); c.6785G>C, p.Arg2262Pro (NM_001174080.2); short protein forms R2265P, R2262P, R2260P, R2259P.
Identifiers: ClinVar variation 1436462 (VCV001436462.10), dbSNP rs201582095, ClinGen allele CA404329339.